The following is an entry in ClinVar:

ClinVar aggregate classification (germline): Uncertain significance (1 of 4 stars; one submission).

Submission:

GeneDx
Classification: Uncertain significance. Last evaluated: 2020-10-21. Review status: criteria provided, single submitter. Criteria: GeneDx Variant Classification Process June 2021. Collection method: clinical testing. Allele origin: germline. Affected: yes.
Comment: Not observed in large population cohorts (Lek et al., 2016); In silico analysis supports that this missense variant does not alter protein structure/function; Has not been previously published as pathogenic or benign to our knowledge

NM_001099922.3(ALG13):c.440A>G (p.Gln147Arg)

Gene: ALG13 (ALG13 UDP-N-acetylglucosaminyltransferase subunit; plus strand). Cytogenetic location: Xq23.
Variant type: single nucleotide variant.
Coding change: c.440A>G on transcript NM_001099922.3 (MANE Select); coding-DNA position 440, A replaced by G.
Protein change: p.Gln147Arg; replaces glutamine 147 with arginine.
Molecular consequence: missense variant. On other transcripts: non-coding transcript variant (1).
Genome position (GRCh38, 1-based): chrX:111,708,083, A>G. VCF-style: chrX-111708083-A-G. GRCh37 (hg19) VCF-style: chrX-110951311-A-G.
Other names: c.128A>G, p.Gln43Arg (NM_001257230.2, NM_001257234.2, NM_001257237.2 and 1 more transcripts); c.206A>G, p.Gln69Arg (NM_001257231.2); c.440A>G, p.Gln147Arg (NM_001324292.2); short protein forms Q147R, Q43R, Q69R.
Identifiers: ClinVar variation 1313388 (VCV001313388.2), dbSNP rs2147996000, ClinGen allele CA414249315.